The following is an entry in ClinVar:

NM_001080421.3(UNC13A):c.1449C>T (p.Gly483=)

Gene: UNC13A (unc-13 homolog A; minus strand). Cytogenetic location: 19p13.11.
Variant type: single nucleotide variant.
Coding change: c.1449C>T on transcript NM_001080421.3 (MANE Select); coding-DNA position 1449, C replaced by T.
Protein change: p.Gly483=; no amino-acid change (glycine 483 retained).
Molecular consequence: synonymous variant.
Genome position (GRCh38, 1-based): chr19:17,649,578, G>A on the plus strand (C>T on the coding strand, the complement: UNC13A is on the minus strand). VCF-style: chr19-17649578-G-A. GRCh37 (hg19) VCF-style: chr19-17760387-G-A.
Other names: c.1449C>T, p.Gly483= (NM_001387021.1, NM_001387022.1, NM_001387023.1).
Identifiers: ClinVar variation 3051270 (VCV003051270.2), dbSNP rs746066343, ClinGen allele CA9298483.

ClinVar aggregate classification (germline): Likely benign (0 of 4 stars; one submission).

Conditions:
UNC13A-related disorder. Also called: UNC13A-related condition.

Allele frequency attached by ClinVar (database versions not stated): gnomAD 0.00004; ExAC 0.00006; gnomAD exomes 0.00013.
gnomAD v4.1: 194 of 1,613,638 alleles (0.012%); highest among the groups gnomAD compares: Non-Finnish European, 0.016%; no homozygotes.

Submission:

PreventionGenetics, part of Exact Sciences
Classification: Likely benign for UNC13A-related condition. Last evaluated: 2020-02-14. Review status: no assertion criteria provided. Collection method: clinical testing. Allele origin: germline.
Comment: This variant is classified as likely benign based on ACMG/AMP sequence variant interpretation guidelines (Richards et al. 2015 PMID: 25741868, with internal and published modifications).